The following is an entry in ClinVar:

ClinVar aggregate classification (germline): Pathogenic (1 of 4 stars; one submission).

Conditions:
Hereditary pulmonary alveolar proteinosis. Also called: Pulmonary surfactant metabolism dysfunction. Identifiers: Orphanet 264675, MedGen C3711368, MONDO:0012580.

Submission:

Ambry Genetics
Classification: Pathogenic for Hereditary pulmonary alveolar proteinosis. Last evaluated: 2017-07-01. Review status: criteria provided, single submitter. Criteria: Ambry Variant Classification Scheme 2023. Collection method: clinical testing. Allele origin: germline.
Comment: The c.3057_3058insT variant, located in coding exon 19 of the ABCA3 gene, results from an insertion of one nucleotide at position 3057, causing a translational frameshift with a predicted alternate stop codon (p.N1020*). This alteration is expected to result in loss of function by premature protein truncation or nonsense-mediated mRNA decay. As such, this alteration is interpreted as a disease-causing mutation.

NM_001089.3(ABCA3):c.3057dup (p.Asn1020Ter)

Gene: ABCA3 (ATP binding cassette subfamily A member 3; minus strand). Cytogenetic location: 16p13.3.
Variant type: Duplication.
Coding change: c.3057dup on transcript NM_001089.3 (MANE Select); coding-DNA position 3057, one base duplicated (T; older notation c.3057dupT).
Protein change: p.Asn1020Ter; replaces asparagine 1020 with a stop codon.
Molecular consequence: nonsense.
Genome position (GRCh38, 1-based): chr16:2,286,915, A duplicated on the plus strand (T on the coding strand, the reverse complement: ABCA3 is on the minus strand); the first of 3 consecutive A bases (chr16:2,286,915-2,286,917); duplicating any one gives the same sequence. VCF-style (leftmost placement, unchanged base first): chr16-2286914-T-TA. GRCh37 (hg19) VCF-style: chr16-2336915-T-TA.
Other names: short protein forms N1020*.
Identifiers: ClinVar variation 1799308 (VCV001799308.2), dbSNP rs2505625621, ClinGen allele CA2580090999.